The following is an entry in ClinVar:

ClinVar aggregate classification (germline): Uncertain significance. Review status: criteria provided, multiple submitters, no conflicts (2 of 4 stars). 3 submissions from 3 submitters: Uncertain significance (3). Last evaluated 2025-02-19.

Conditions:
Cardiovascular phenotype. Identifiers: MedGen CN230736.
Dilated cardiomyopathy 1JJ (CMD1JJ). Identifiers: Orphanet 154, MedGen C3808935, MONDO:0014095, OMIM 615235.

Allele frequency attached by ClinVar (database versions not stated): ESP Exome Variant Server 0.00008.
gnomAD v4.1: 11 of 1,613,112 alleles (0.00068%); highest among the groups gnomAD compares: African/African-American, 0.011%; no homozygotes.

Submissions (3):

Labcorp Genetics (formerly Invitae), Labcorp
Classification: Uncertain significance for Dilated cardiomyopathy 1JJ. Last evaluated: 2025-02-19. Review status: criteria provided, single submitter. Criteria: Invitae Variant Classification Sherloc (09022015). Collection method: clinical testing. Allele origin: germline.
Comment: This sequence change replaces leucine, which is neutral and non-polar, with valine, which is neutral and non-polar, at codon 1661 of the LAMA4 protein (p.Leu1661Val). This variant is present in population databases (rs369799390, gnomAD 0.01%). This variant has not been reported in the literature in individuals affected with LAMA4-related conditions. ClinVar contains an entry for this variant (Variation ID: 1744537). Invitae Evidence Modeling of protein sequence and biophysical properties (such as structural, functional, and spatial information, amino acid conservation, physicochemical variation, residue mobility, and thermodynamic stability) indicates that this missense variant is not expected to disrupt LAMA4 protein function with a negative predictive value of 80%. In summary, the available evidence is currently insufficient to determine the role of this variant in disease. Therefore, it has been classified as a Variant of Uncertain Significance.

Ambry Genetics
Classification: Uncertain significance for Cardiovascular phenotype. Last evaluated: 2024-12-13. Review status: criteria provided, single submitter. Criteria: Ambry Variant Classification Scheme 2023. Collection method: clinical testing. Allele origin: germline.
Comment: The p.L1661V variant (also known as c.4981T>G), located in coding exon 35 of the LAMA4 gene, results from a T to G substitution at nucleotide position 4981. The leucine at codon 1661 is replaced by valine, an amino acid with highly similar properties. This amino acid position is well conserved in available vertebrate species. In addition, this alteration is predicted to be tolerated by in silico analysis. Since supporting evidence is limited at this time, the clinical significance of this alteration remains unclear.

GeneDx
Classification: Uncertain significance. Last evaluated: 2024-12-04. Review status: criteria provided, single submitter. Criteria: GeneDx Variant Classification Process June 2021. Collection method: clinical testing. Allele origin: germline. Affected: yes.
Comment: Not observed at significant frequency in large population cohorts (gnomAD); In silico analysis indicates that this missense variant does not alter protein structure/function; Has not been previously published as pathogenic or benign to our knowledge

NM_001105206.3(LAMA4):c.5002T>G (p.Leu1668Val)

Gene: LAMA4 (laminin subunit alpha 4; minus strand). Cytogenetic location: 6q21.
Variant type: single nucleotide variant.
Coding change: c.5002T>G on transcript NM_001105206.3 (MANE Select); coding-DNA position 5002, T replaced by G.
Protein change: p.Leu1668Val; replaces leucine 1668 with valine.
Molecular consequence: missense variant.
Genome position (GRCh38, 1-based): chr6:112,115,973, A>C on the plus strand (T>G on the coding strand, the complement: LAMA4 is on the minus strand). VCF-style: chr6-112115973-A-C. GRCh37 (hg19) VCF-style: chr6-112437176-A-C.
Other names: c.4981T>G, p.Leu1661Val (NM_001105207.3, NM_002290.5); short protein forms L1661V, L1668V.
Identifiers: ClinVar variation 1744537 (VCV001744537.11), dbSNP rs369799390, ClinGen allele CA3964838.
Genomic context (GRCh38, chr6:112,115,973, plus strand): 5'-CGTGGACCAGGGTTCCGGAACTGCTTCTGGGACGGACTTCAAATGCAATTTCAAACTTCA[A>C]TCCAATATTGAAAGATTCATCTGTGGAGAGAAACACTATAAACTCCCAAGAACAGCAAGA-3'
Protein context (NP_001098676.2, residues 1658-1678): VVLDESFNIG[Leu1668Val]KFEIAFEVRP